The following is an entry in ClinVar:

ClinVar aggregate classification (germline): Pathogenic (1 of 4 stars; one submission).

Conditions:
Hereditary breast ovarian cancer syndrome. Also called: Hereditary breast and ovarian cancer syndrome (HBOC); Hereditary breast and/or ovarian cancer syndrome; Hereditary breast and ovarian cancer syndrome; Breast and ovarian cancer; Hereditary breast and ovarian cancer; BRCA1- and BRCA2-Associated Hereditary Breast and Ovarian Cancer. Identifiers: Orphanet 145, MedGen C0677776, MeSH D061325, MONDO:0003582. Disease mechanism: loss of function.

Submission:

Labcorp Genetics (formerly Invitae), Labcorp
Classification: Pathogenic for Hereditary breast ovarian cancer syndrome. Last evaluated: 2023-09-12. Review status: criteria provided, single submitter. Criteria: Invitae Variant Classification Sherloc (09022015). Collection method: clinical testing. Allele origin: germline.
Comment: For these reasons, this variant has been classified as Pathogenic. This variant has not been reported in the literature in individuals affected with BRCA2-related conditions. This variant is not present in population databases (gnomAD no frequency). This sequence change creates a premature translational stop signal (p.Cys554Valfs*4) in the BRCA2 gene. It is expected to result in an absent or disrupted protein product. Loss-of-function variants in BRCA2 are known to be pathogenic (PMID: 20104584).

Literature cited by the submitters: PubMed 20104584.

NM_000059.4(BRCA2):c.1660del (p.Cys554fs)

Gene: BRCA2 (BRCA2 DNA repair associated; plus strand). Cytogenetic location: 13q13.1.
Variant type: Deletion.
Coding change: c.1660del on transcript NM_000059.4 (MANE Select); coding-DNA position 1660, one base deleted (T; older notation c.1660delT).
Protein change: p.Cys554fs; shifts the reading frame from cysteine 554.
Molecular consequence: frameshift variant. On other transcripts: non-coding transcript variant (1), intron variant (1).
Genome position (GRCh38, 1-based): chr13:32,333,138, T deleted. VCF-style (leftmost placement, unchanged base first): chr13-32333137-AT-A. GRCh37 (hg19) VCF-style: chr13-32907274-AT-A.
Other names: c.1660del, p.Cys554fs (NM_001406719.1, NM_001406720.1, NM_001406721.1); c.424+2108del (NM_001406722.1); short protein forms C554fs.
Identifiers: ClinVar variation 2760193 (VCV002760193.3), dbSNP rs2548520739, ClinGen allele CA2697551734.
Genomic context (GRCh38, chr13:32,333,137, plus strand): 5'-TGAAGCCTCTGAAAGTGGACTGGAAATACATACTGTTTGCTCACAGAAGGAGGACTCCTT[AT>A]GTCCAAATTTAATTGATAATGGAAGCTGGCCAGCCACCACCACACAGAATTCTGTAGCTT-3'